The following is an entry in ClinVar:

ClinVar aggregate classification (germline): Uncertain significance (1 of 4 stars; one submission).

Submission:

Labcorp Genetics (formerly Invitae), Labcorp
Classification: Uncertain significance. Last evaluated: 2024-10-26. Review status: criteria provided, single submitter. Criteria: Invitae Variant Classification Sherloc (09022015). Collection method: clinical testing. Allele origin: germline.
Comment: This sequence change replaces arginine, which is basic and polar, with leucine, which is neutral and non-polar, at codon 671 of the PDZD7 protein (p.Arg671Leu). This variant is not present in population databases (gnomAD no frequency). This variant has not been reported in the literature in individuals affected with PDZD7-related conditions. ClinVar contains an entry for this variant (Variation ID: 1714095). Invitae Evidence Modeling of protein sequence and biophysical properties (such as structural, functional, and spatial information, amino acid conservation, physicochemical variation, residue mobility, and thermodynamic stability) indicates that this missense variant is not expected to disrupt PDZD7 protein function with a negative predictive value of 80%. In summary, the available evidence is currently insufficient to determine the role of this variant in disease. Therefore, it has been classified as a Variant of Uncertain Significance.

NM_001195263.2(PDZD7):c.2012G>T (p.Arg671Leu)

Gene: PDZD7 (PDZ domain containing 7; minus strand). Cytogenetic location: 10q24.31.
Variant type: single nucleotide variant.
Coding change: c.2012G>T on transcript NM_001195263.2 (MANE Select); coding-DNA position 2012, G replaced by T.
Protein change: p.Arg671Leu; replaces arginine 671 with leucine.
Molecular consequence: missense variant.
Genome position (GRCh38, 1-based): chr10:101,010,877, C>A on the plus strand (G>T on the coding strand, the complement: PDZD7 is on the minus strand). VCF-style: chr10-101010877-C-A. GRCh37 (hg19) VCF-style: chr10-102770634-C-A.
Other names: short protein forms R671L.
Identifiers: ClinVar variation 1714095 (VCV001714095.5), dbSNP rs746897547, ClinGen allele CA378225509.